The following is an entry in ClinVar:

NM_030962.4(SBF2):c.2894A>G (p.Asn965Ser)

Genes: SBF2 (SET binding factor 2; minus strand), LOC101928008 (uncharacterized LOC101928008; plus strand). Cytogenetic location: 11p15.4.
Variant type: single nucleotide variant.
Coding change: c.2894A>G on transcript NM_030962.4 (MANE Select); coding-DNA position 2894, A replaced by G.
Protein change: p.Asn965Ser; replaces asparagine 965 with serine.
Molecular consequence: missense variant.
Genome position (GRCh38, 1-based): chr11:9,846,996, T>C on the plus strand (A>G on the coding strand, the complement: SBF2 is on the minus strand). VCF-style: chr11-9846996-T-C. GRCh37 (hg19) VCF-style: chr11-9868543-T-C.
Other names: c.2894A>G, p.Asn965Ser (NM_001386339.1); c.2765A>G, p.Asn922Ser (NM_001386342.1); short protein forms N965S, N922S.
Identifiers: ClinVar variation 936790 (VCV000936790.14), dbSNP rs1008248276, ClinGen allele CA217618869.
Genomic context (GRCh38, chr11:9,846,996, plus strand): 5'-ATGGCTTCCTTTTTTAATACCTGAAAAGATGCTGATGTGATCTGCAGTCCTTCTTGCATG[T>C]TCTGCTGTAGCTGGTTCTGCATTGTAATCTTCTTCTCCTTGGTGATGGAGGCAATGGGAA-3'
Protein context (NP_112224.1, residues 955-975): KITMQNQLQQ[Asn965Ser]MQEGLQITSA

ClinVar aggregate classification (germline): Uncertain significance. Review status: criteria provided, multiple submitters, no conflicts (2 of 4 stars). 2 submissions from 2 submitters: Uncertain significance (2). Last evaluated 2024-02-17.

Conditions:
Charcot-Marie-Tooth disease type 4. Also called: Charcot-Marie-Tooth disease, type IV; Charcot-Marie-Tooth, Type 4. Identifiers: Orphanet 64749, MedGen C4082197, MONDO:0018995.
Charcot-Marie-Tooth disease type 4B2. Also called: CMT 4B2; Charcot-Marie-Tooth Neuropathy Type 4B2; CHARCOT-MARIE-TOOTH DISEASE, DEMYELINATING, TYPE 4B2; CHARCOT-MARIE-TOOTH DISEASE, WITH FOCALLY FOLDED MYELIN SHEATHS, AUTOSOMAL RECESSIVE, TYPE 4B2. Identifiers: Orphanet 99956, MedGen C1858278, MONDO:0011475, OMIM 604563.

Allele frequency attached by ClinVar (database versions not stated): gnomAD exomes below 0.00001.
gnomAD v4.1: 2 of 1,613,862 alleles (0.00012%); highest among the groups gnomAD compares: Non-Finnish European, 0.000085%; no homozygotes.

Submissions (2):

Labcorp Genetics (formerly Invitae), Labcorp
Classification: Uncertain significance for Charcot-Marie-Tooth disease type 4. Last evaluated: 2024-02-17. Review status: criteria provided, single submitter. Criteria: Invitae Variant Classification Sherloc (09022015). Collection method: clinical testing. Allele origin: germline.
Comment: This sequence change replaces asparagine, which is neutral and polar, with serine, which is neutral and polar, at codon 965 of the SBF2 protein (p.Asn965Ser). This variant is not present in population databases (gnomAD no frequency). This variant has not been reported in the literature in individuals affected with SBF2-related conditions. ClinVar contains an entry for this variant (Variation ID: 936790). Advanced modeling of protein sequence and biophysical properties (such as structural, functional, and spatial information, amino acid conservation, physicochemical variation, residue mobility, and thermodynamic stability) performed at Invitae indicates that this missense variant is not expected to disrupt SBF2 protein function with a negative predictive value of 80%. In summary, the available evidence is currently insufficient to determine the role of this variant in disease. Therefore, it has been classified as a Variant of Uncertain Significance.

ARUP Laboratories, Molecular Genetics and Genomics, ARUP Laboratories
Classification: Uncertain significance for Charcot-Marie-Tooth disease type 4B2. Last evaluated: 2019-08-16. Review status: criteria provided, single submitter. Criteria: ARUP Molecular Germline Variant Investigation Process. Collection method: clinical testing. Allele origin: germline.
Comment: The SBF2 c.2894A>G; p.Asn965Ser variant (rs1008248276), to our knowledge, is not reported in the medical literature or gene-specific databases. This variant is also absent from general population databases (Exome Variant Server, Genome Aggregation Database), indicating it is not a common polymorphism. The asparagine at codon 965 is weakly conserved, and computational analyses (SIFT, PolyPhen-2) predict that this variant is tolerated. However, due to limited information, the clinical significance of the p.Asn965Ser variant is uncertain at this time.